The following is an entry in ClinVar:

NM_007294.4(BRCA1):c.-17C>T

Gene: BRCA1 (BRCA1 DNA repair associated; minus strand). Cytogenetic location: 17q21.31.
Variant type: single nucleotide variant.
Coding change: c.-17C>T on transcript NM_007294.4 (MANE Select); 17 bases upstream of the start codon, C replaced by T.
Molecular consequence: 5 prime UTR variant. On other transcripts: non-coding transcript variant (1).
Genome position (GRCh38, 1-based): chr17:43,124,113, G>A on the plus strand (C>T on the coding strand, the complement: BRCA1 is on the minus strand). VCF-style: chr17-43124113-G-A. GRCh37 (hg19) VCF-style: chr17-41276130-G-A.
Other names: c.-205C>T (NM_001407571.1, NM_001407853.1, NM_001407879.1 and 42 more transcripts); c.-17C>T (NM_001407581.1, NM_001407582.1, NM_001407583.1 and 169 more transcripts); c.-274C>T (NM_001407694.1, NM_001407724.1, NM_001407727.1 and 11 more transcripts); c.-278C>T (NM_001407695.1, NM_001408465.1); c.-419C>T (NM_001407696.1); c.-303C>T (NM_001407697.1, NM_001407846.1, NM_001407920.1); c.-104C>T (NM_001407698.1, NM_001407732.1, NM_001407736.1 and 21 more transcripts); c.-277C>T (NM_001407725.1, NM_001407730.1, NM_001407734.1 and 22 more transcripts); and 8 more.
Identifiers: ClinVar variation 766447 (VCV000766447.14), dbSNP rs1597923857, ClinGen allele CA915950099.
Genomic context (GRCh38, chr17:43,124,113, plus strand): 5'-ATGACATTTTGTACTTCTTCAACGCGAAGAGCAGATAAATCCATTTCTTTCTGTTCCAAT[G>A]AACTTTAACACATTAGAAAAACATATATATATATCTTTTTAAAAGGTTTATAAAATGACA-3'

ClinVar aggregate classification (germline): Likely benign (1 of 4 stars; one submission).

Conditions:
Hereditary breast ovarian cancer syndrome. Also called: BRCA1- and BRCA2-Associated Hereditary Breast and Ovarian Cancer; Hereditary breast and ovarian cancer syndrome (HBOC); Hereditary breast and ovarian cancer syndrome; Breast and ovarian cancer; Hereditary breast and ovarian cancer; Hereditary breast and/or ovarian cancer syndrome. Identifiers: Orphanet 145, MedGen C0677776, MeSH D061325, MONDO:0003582. Disease mechanism: loss of function.

Allele frequency attached by ClinVar (database versions not stated): gnomAD exomes below 0.00001.
gnomAD v4.1: 1 of 1,580,228 alleles (0.000063%); highest among the groups gnomAD compares: Non-Finnish European, 0.000087%; no homozygotes.

Submissions (2):

Labcorp Genetics (formerly Invitae), Labcorp
Classification: Likely benign for Hereditary breast ovarian cancer syndrome. Last evaluated: 2018-08-25. Review status: criteria provided, single submitter. Criteria: Invitae Variant Classification Sherloc (09022015). Collection method: clinical testing. Allele origin: germline.

Brotman Baty Institute, University of Washington
No classification provided (evidence only). Condition: Breast-ovarian cancer, familial 1. Review status: no classification provided. Collection method: in vitro. Allele origin: not applicable. Functional consequence: functionally_normal. Not counted in ClinVar's aggregate classification.
ClinVar note: "not provided" was previously submitted as the classification for the variant. However, the classification appeared to be based only on an observation of functional data so it was converted to no classification on 2025-07-30.